The following is an entry in ClinVar:

NM_152564.5(VPS13B):c.8965G>T (p.Gly2989Cys)

Gene: VPS13B (vacuolar protein sorting 13 homolog B; plus strand). Cytogenetic location: 8q22.2.
Variant type: single nucleotide variant.
Coding change: c.8965G>T on transcript NM_152564.5 (MANE Select); coding-DNA position 8965, G replaced by T.
Protein change: p.Gly2989Cys; replaces glycine 2989 with cysteine.
Molecular consequence: missense variant.
Genome position (GRCh38, 1-based): chr8:99,820,093, G>T. VCF-style: chr8-99820093-G-T. GRCh37 (hg19) VCF-style: chr8-100832321-G-T.
Other names: c.9040G>T, p.Gly3014Cys (NM_017890.5); short protein forms G2989C, G3014C.
Identifiers: ClinVar variation 1481280 (VCV001481280.7), dbSNP rs1814277192, ClinGen allele CA371777357.

ClinVar aggregate classification (germline): Uncertain significance. Review status: criteria provided, multiple submitters, no conflicts (2 of 4 stars). 2 submissions from 2 submitters: Uncertain significance (2). Last evaluated 2022-08-16.

Conditions:
Cohen syndrome (COH1). Also called: Cutis verticis gyrata, retinitis pigmentosa, and sensorineural deafness; PEPPER SYNDROME. Identifiers: Orphanet 193, MedGen C0265223, MONDO:0008999, OMIM 216550.

Submissions (2):

Labcorp Genetics (formerly Invitae), Labcorp
Classification: Uncertain significance for Cohen syndrome. Last evaluated: 2022-08-16. Review status: criteria provided, single submitter. Criteria: Invitae Variant Classification Sherloc (09022015). Collection method: clinical testing. Allele origin: germline.
Comment: In summary, the available evidence is currently insufficient to determine the role of this variant in disease. Therefore, it has been classified as a Variant of Uncertain Significance. Algorithms developed to predict the effect of missense changes on protein structure and function are either unavailable or do not agree on the potential impact of this missense change (SIFT: "Not Available"; PolyPhen-2: "Benign"; Align-GVGD: "Not Available"). ClinVar contains an entry for this variant (Variation ID: 1481280). This variant has not been reported in the literature in individuals affected with VPS13B-related conditions. This variant is not present in population databases (gnomAD no frequency). This sequence change replaces glycine, which is neutral and non-polar, with cysteine, which is neutral and slightly polar, at codon 3014 of the VPS13B protein (p.Gly3014Cys).

Blueprint Genetics
Classification: Uncertain significance. Last evaluated: 2018-05-04. Review status: criteria provided, single submitter. Criteria: ACMG Guidelines, 2015. Collection method: clinical testing. Allele origin: germline.